The following is an entry in ClinVar:

ClinVar aggregate classification (germline): Uncertain significance (1 of 4 stars; one submission).

Conditions:
Inborn genetic diseases. Identifiers: MedGen C0950123, MeSH D030342.

Submission:

Ambry Genetics
Classification: Uncertain significance for Inborn genetic diseases. Last evaluated: 2025-05-25. Review status: criteria provided, single submitter. Criteria: Ambry Variant Classification Scheme 2023. Collection method: clinical testing. Allele origin: germline.
Comment: The p.P910T variant (also known as c.2728C>A), located in coding exon 11 of the MECOM gene, results from a C to A substitution at nucleotide position 2728. The proline at codon 910 is replaced by threonine, an amino acid with highly similar properties. This amino acid position is conserved. In addition, this alteration is predicted to be tolerated by in silico analysis. Based on the available evidence, the clinical significance of this variant remains unclear.

NM_004991.4(MECOM):c.2728C>A (p.Pro910Thr)

Gene: MECOM (MDS1 and EVI1 complex locus; minus strand). Cytogenetic location: 3q26.2.
Variant type: single nucleotide variant.
Coding change: c.2728C>A on transcript NM_004991.4 (MANE Select); coding-DNA position 2728, C replaced by A.
Protein change: p.Pro910Thr; replaces proline 910 with threonine.
Molecular consequence: missense variant.
Genome position (GRCh38, 1-based): chr3:169,102,103, G>T on the plus strand (C>A on the coding strand, the complement: MECOM is on the minus strand). VCF-style: chr3-169102103-G-T. GRCh37 (hg19) VCF-style: chr3-168819891-G-T.
Other names: c.2359C>A, p.Pro787Thr (NM_001105077.4); c.2164C>A, p.Pro722Thr (NM_001105078.4, NM_001205194.2, NM_001366469.2 and 1 more transcripts); c.2140C>A, p.Pro714Thr (NM_001163999.2, NM_001366470.2); c.2137C>A, p.Pro713Thr (NM_001164000.2, NM_001366471.2, NM_001366472.2); c.2701C>A, p.Pro901Thr (NM_001366466.2); c.2167C>A, p.Pro723Thr (NM_001366467.2, NM_001366468.2); c.1729C>A, p.Pro577Thr (NM_001366473.2); c.1165C>A, p.Pro389Thr (NM_001366474.2); short protein forms P713T, P787T, P910T, P389T, P714T, P722T, P577T, P723T.
Identifiers: ClinVar variation 4053289 (VCV004053289.1).
Genomic context (GRCh38, chr3:169,102,103, plus strand): 5'-ATTAACTGTGCAGTTACCTGCAGGTATAGCGCTCCTTTCCCTTCCGCAGAAGGTTCTCTG[G>T]CAGGGCATTGGGAGGCGCCCTGAAGTTGAACATAGAGGGCACTGACTGTAAGAGCTCACT-3'
Protein context (NP_004982.2, residues 900-920): FNFRAPPNAL[Pro910Thr]ENLLRKGKER